The following is an entry in ClinVar:

NM_001077365.2(POMT1):c.1349C>A (p.Thr450Asn)

Gene: POMT1 (protein O-mannosyltransferase 1; plus strand). Cytogenetic location: 9q34.13.
Variant type: single nucleotide variant.
Coding change: c.1349C>A on transcript NM_001077365.2 (MANE Select); coding-DNA position 1349, C replaced by A.
Protein change: p.Thr450Asn; replaces threonine 450 with asparagine.
Molecular consequence: missense variant. On other transcripts: non-coding transcript variant (10).
Genome position (GRCh38, 1-based): chr9:131,518,521, C>A. VCF-style: chr9-131518521-C-A. GRCh37 (hg19) VCF-style: chr9-134393908-C-A.
Other names: c.1187C>A, p.Thr396Asn (NM_001077366.2, NM_001353194.2); c.1349C>A, p.Thr450Asn (NM_001136113.2, NM_001374690.1); c.998C>A, p.Thr333Asn (NM_001136114.2, NM_001353195.2, NM_001374691.1 and 2 more transcripts); c.1415C>A, p.Thr472Asn (NM_001353193.2, NM_007171.4); c.1259C>A, p.Thr420Asn (NM_001353196.2); c.1253C>A, p.Thr418Asn (NM_001353197.2, NM_001353198.2); c.1064C>A, p.Thr355Asn (NM_001353199.2); c.893C>A, p.Thr298Asn (NM_001353200.2); and 2 more; short protein forms T298N, T396N, T333N, T355N, T420N, T418N, T450N, T472N.
Identifiers: ClinVar variation 640202 (VCV000640202.7), dbSNP rs757785909, ClinGen allele CA5293662.

ClinVar aggregate classification (germline): Uncertain significance (1 of 4 stars; one submission).

Conditions:
Muscular dystrophy-dystroglycanopathy (congenital with impaired intellectual development), type B, 1. Also called: Muscular dystrophy-dystroglycanopathy (congenital with intellectual disability), type B1; MUSCULAR DYSTROPHY, CONGENITAL, POMT1-RELATED. Identifiers: MedGen C5436962, MONDO:0013159, OMIM 613155.
Autosomal recessive limb-girdle muscular dystrophy type 2K. Also called: MUSCULAR DYSTROPHY-DYSTROGLYCANOPATHY (LIMB-GIRDLE), TYPE C, 1; MUSCULAR DYSTROPHY, LIMB-GIRDLE, TYPE 2K. Identifiers: Orphanet 86812, MedGen C1836373, MONDO:0012248, OMIM 609308.
Walker-Warburg congenital muscular dystrophy. Also called: Muscular dystrophy-dystroglycanopathy, type A; Walker-Warburg syndrome. Identifiers: Orphanet 899, MedGen C0265221, MONDO:0000171.

Allele frequency attached by ClinVar (database versions not stated): TOPMed below 0.00001; ExAC 0.00001; gnomAD exomes below 0.00001.
gnomAD v4.1: 4 of 1,613,574 alleles (0.00025%); highest among the groups gnomAD compares: Non-Finnish European, 0.00034%; no homozygotes.

Submission:

Labcorp Genetics (formerly Invitae), Labcorp
Classification: Uncertain significance for Muscular dystrophy-dystroglycanopathy (congenital with impaired intellectual development), type B, 1; Walker-Warburg congenital muscular dystrophy; Autosomal recessive limb-girdle muscular dystrophy type 2K. Last evaluated: 2018-08-20. Review status: criteria provided, single submitter. Criteria: Invitae Variant Classification Sherloc (09022015). Collection method: clinical testing. Allele origin: germline.
Comment: This sequence change replaces threonine with asparagine at codon 472 of the POMT1 protein (p.Thr472Asn). The threonine residue is highly conserved and there is a small physicochemical difference between threonine and asparagine. In summary, the available evidence is currently insufficient to determine the role of this variant in disease. Therefore, it has been classified as a Variant of Uncertain Significance. Algorithms developed to predict the effect of missense changes on protein structure and function are either unavailable or do not agree on the potential impact of this missense change (SIFT: "Tolerated"; PolyPhen-2: "Probably Damaging"; Align-GVGD: "Class C0"). This variant has not been reported in the literature in individuals with POMT1-related disease. This variant is present in population databases (rs757785909, ExAC 0.002%).